The following is an entry in ClinVar:

ClinVar aggregate classification (germline): Pathogenic. Review status: criteria provided, multiple submitters, no conflicts (2 of 4 stars). 9 submissions from 9 submitters: Pathogenic (7). 2 of the submissions do not count toward it. Last evaluated 2025-11-21.

Conditions:
Pendred syndrome (PDS). Also called: Pendred's syndrome; Pendred Syndrome (PDS); GOITER-DEAFNESS SYNDROME; HYPOTHYROIDISM, CONGENITAL, DUE TO DYSHORMONOGENESIS, 2B; THYROID DYSHORMONOGENESIS 2B; THYROID HORMONOGENESIS, GENETIC DEFECT IN, 2B. Identifiers: Orphanet 705, MedGen C0271829, MONDO:0010134, OMIM 274600.
Autosomal recessive nonsyndromic hearing loss 4 (DFNB4). Also called: FOXI1-Related Pendred Syndrome; KCNJ10-Related Pendred Syndrome; DEAFNESS, AUTOSOMAL RECESSIVE 4, WITH ENLARGED VESTIBULAR AQUEDUCT, DIGENIC; Nonsyndromic enlarged vestibular aqueduct (NSEVA); Deafness, autosomal recessive 4, with enlarged vestibular aqueduct; Deafness, autosomal recessive 4. Identifiers: Orphanet 90636, MedGen C3538946, MONDO:0010933, OMIM 600791.
SLC26A4-related disorder. Also called: SLC26A4-related condition; SLC26A4-related disorders.

Allele frequency attached by ClinVar (database versions not stated): gnomAD exomes below 0.00001; TOPMed below 0.00001.
gnomAD v4.1: 4 of 1,613,880 alleles (0.00025%); highest among the groups gnomAD compares: East Asian, 0.0022%; no homozygotes.

Submissions (9):

Labcorp Genetics (formerly Invitae), Labcorp
Classification: Pathogenic. Last evaluated: 2025-11-21. Review status: criteria provided, single submitter. Criteria: Invitae Variant Classification Sherloc (09022015). Collection method: clinical testing. Allele origin: germline.
Comment: This sequence change affects an acceptor splice site in intron 4 of the SLC26A4 gene. It is expected to disrupt RNA splicing. Variants that disrupt the donor or acceptor splice site typically lead to a loss of protein function (PMID: 16199547), and loss-of-function variants in SLC26A4 are known to be pathogenic (PMID: 16283880, 25394566, 26252218, 26445815). This variant is present in population databases (no rsID available, gnomAD 0.006%). Disruption of this splice site has been observed in individual(s) with non-syndromic deafness and/or Pendred syndrome (PMID: 17940114, 24599119, 31035178). In at least one individual the data is consistent with being in trans (on the opposite chromosome) from a pathogenic variant. This variant is also known as IVS4-1G>A. ClinVar contains an entry for this variant (Variation ID: 371079). Algorithms developed to predict the effect of sequence changes on RNA splicing suggest that this variant may disrupt the consensus splice site. For these reasons, this variant has been classified as Pathogenic.

Fulgent Genetics
Classification: Pathogenic for Pendred syndrome; Autosomal recessive nonsyndromic hearing loss 4. Last evaluated: 2024-06-14. Review status: criteria provided, single submitter. Criteria: ACMG Guidelines, 2015. Collection method: clinical testing. Allele origin: germline.

PreventionGenetics, part of Exact Sciences
Classification: Pathogenic for SLC26A4-related condition. Last evaluated: 2023-08-17. Review status: criteria provided, single submitter. Criteria: ACMG Guidelines, 2015. Collection method: clinical testing. Allele origin: germline.
Comment: The SLC26A4 c.416-1G>A variant is predicted to disrupt the AG splice acceptor site and interfere with normal splicing. This variant was reported in the compound heterozygous state along with a truncating variant in an individual with Pendred syndrome and was homozygous in related individuals who presented with hearing loss without goiter (Palos. 2008. PubMed ID: 17940114). This variant was also reported in the compound heterozygous state in two individuals with hearing loss and bilateral enlarged vestibular aqueduct (EVA) (Miyagawa. 2014. PubMed ID: 24599119). This variant is reported in 0.0054% of alleles in individuals of East Asian descent in gnomAD. Variants that disrupt the consensus splice acceptor site in SLC26A4 are expected to be pathogenic. This variant is interpreted as pathogenic.

GeneDx
Classification: Pathogenic. Last evaluated: 2023-03-17. Review status: criteria provided, single submitter. Criteria: GeneDx Variant Classification Process June 2021. Collection method: clinical testing. Allele origin: germline. Affected: yes.
Comment: Canonical splice site variant predicted to result in a null allele in a gene for which loss-of-function is a known mechanism of disease; Not observed at significant frequency in large population cohorts (gnomAD); This variant is associated with the following publications: (PMID: 24599119, 31035178, 17940114, 26100058, 18250610, 31589614)

Baylor Genetics
Classification: Pathogenic for Autosomal recessive nonsyndromic hearing loss 4. Last evaluated: 2023-03-07. Review status: criteria provided, single submitter. Criteria: ACMG Guidelines, 2015. Collection method: clinical testing. Allele origin: unknown.

Revvity Omics, Revvity
Classification: Pathogenic. Last evaluated: 2021-06-09. Review status: criteria provided, single submitter. Criteria: ACMG Guidelines, 2015. Collection method: clinical testing. Allele origin: germline.

Juno Genomics, Hangzhou Juno Genomics, Inc
Classification: Pathogenic for Autosomal recessive nonsyndromic hearing loss 4; Pendred syndrome. Review status: criteria provided, single submitter. Criteria: ACMG Guidelines, 2015. Collection method: clinical testing. Allele origin: germline.
Comment: Absent from controls (or at extremely low frequency if recessive) in Genome Aggregation Database.;Null variant in a gene where loss of function (LOF) is a known mechanism of disease.;For recessive disorders, detected in trans with a pathogenic variant.

Natera, Inc.
Classification: Pathogenic for Pendred syndrome. Last evaluated: 2020-09-16. Review status: no assertion criteria provided. Collection method: clinical testing. Allele origin: germline. Not counted in ClinVar's aggregate classification.

Counsyl
Classification: Pathogenic for Pendred syndrome. Last evaluated: 2016-06-22. Review status: no assertion criteria provided. Collection method: clinical testing. Allele origin: unknown. Not counted in ClinVar's aggregate classification.

Literature cited by the submitters: PubMed 16199547 (cited by Labcorp Genetics (formerly Invitae), Labcorp); PubMed 16283880 (cited by Labcorp Genetics (formerly Invitae), Labcorp); PubMed 25394566 (cited by Labcorp Genetics (formerly Invitae), Labcorp); PubMed 26252218 (cited by Labcorp Genetics (formerly Invitae), Labcorp); PubMed 26445815 (cited by Labcorp Genetics (formerly Invitae), Labcorp); PubMed 17940114 (cited by Labcorp Genetics (formerly Invitae), Labcorp and Counsyl); PubMed 24599119 (cited by Labcorp Genetics (formerly Invitae), Labcorp and Counsyl); PubMed 31035178 (cited by Labcorp Genetics (formerly Invitae), Labcorp); PubMed 26100058 (cited by Counsyl); PubMed 18250610 (cited by Counsyl).

NM_000441.2(SLC26A4):c.416-1G>A

Gene: SLC26A4 (solute carrier family 26 member 4; plus strand). Cytogenetic location: 7q22.3.
Variant type: single nucleotide variant.
Coding change: c.416-1G>A on transcript NM_000441.2 (MANE Select); the canonical splice acceptor site of the intron before coding-DNA position 416, G replaced by A.
Molecular consequence: splice acceptor variant.
Genome position (GRCh38, 1-based): chr7:107,674,163, G>A. VCF-style: chr7-107674163-G-A. GRCh37 (hg19) VCF-style: chr7-107314608-G-A.
Identifiers: ClinVar variation 371079 (VCV000371079.21), dbSNP rs1057516988, ClinGen allele CA16041102.
Genomic context (GRCh38, chr7:107,674,163, plus strand): 5'-CAGACACATTGAACATTTGTGATTAATAACTGATTAATTGTTAGAGACTTTTTTTCCCCA[G>A]GACCTTTTCCAGTGGTGAGTTTAATGGTGGGATCTGTTGTTCTGAGCATGGCCCCCGACG-3'